The following is an entry in ClinVar:

NM_004963.4(GUCY2C):c.600G>C (p.Glu200Asp)

Genes: GUCY2C (guanylate cyclase 2C; minus strand), GUCY2C-AS1 (GUCY2C antisense RNA 1; plus strand). Cytogenetic location: 12p12.3.
Variant type: single nucleotide variant.
Coding change: c.600G>C on transcript NM_004963.4 (MANE Select); coding-DNA position 600, G replaced by C.
Protein change: p.Glu200Asp; replaces glutamic acid 200 with aspartic acid.
Molecular consequence: missense variant.
Genome position (GRCh38, 1-based): chr12:14,683,053, C>G on the plus strand (G>C on the coding strand, the complement: GUCY2C is on the minus strand). VCF-style: chr12-14683053-C-G. GRCh37 (hg19) VCF-style: chr12-14835987-C-G.
Other names: short protein forms E200D.
Identifiers: ClinVar variation 4707785 (VCV004707785.1).

ClinVar aggregate classification (germline): Uncertain significance (1 of 4 stars; one submission).

gnomAD v4.1: 5 of 1,602,926 alleles (0.00031%); highest among the groups gnomAD compares: Admixed American, 0.0083%; no homozygotes.

Submission:

Labcorp Genetics (formerly Invitae), Labcorp
Classification: Uncertain significance. Last evaluated: 2025-05-27. Review status: criteria provided, single submitter. Criteria: Invitae Variant Classification Sherloc (09022015). Collection method: clinical testing. Allele origin: germline.
Comment: This sequence change replaces glutamic acid, which is acidic and polar, with aspartic acid, which is acidic and polar, at codon 200 of the GUCY2C protein (p.Glu200Asp). This variant is present in population databases (no rsID available, gnomAD 0.01%). This variant has not been reported in the literature in individuals affected with GUCY2C-related conditions. Invitae Evidence Modeling of protein sequence and biophysical properties (such as structural, functional, and spatial information, amino acid conservation, physicochemical variation, residue mobility, and thermodynamic stability) indicates that this missense variant is not expected to disrupt GUCY2C protein function with a negative predictive value of 80%. In summary, the available evidence is currently insufficient to determine the role of this variant in disease. Therefore, it has been classified as a Variant of Uncertain Significance.